The following is an entry in ClinVar:

ClinVar aggregate classification (germline): Uncertain significance (1 of 4 stars; one submission).

Conditions:
Wilson disease (WND). Also called: Wilson's disease. Identifiers: Orphanet 905, MedGen C0019202, MONDO:0010200, OMIM 277900. Disease mechanism: loss of function.

Submission:

Myriad Genetics, Inc.
Classification: Uncertain significance for Wilson disease. Last evaluated: 2026-08-21. Review status: criteria provided, single submitter. Criteria: Myriad Autosomal Dominant, Autosomal Recessive and X-Linked Classification Criteria (2023). Collection method: clinical testing. Allele origin: unknown.
Comment: NM_000053.3(ATP7B):c.4378delG(D1460Mfs*25) is a readthrough frameshift variant classified as a variant of uncertain significance in the context of Wilson disease. D1460Mfs*25 has not been observed in cases with relevant disease. Relevant functional assessments of this variant are not available in the literature. D1460Mfs*25 has not been observed in referenced population frequency databases. In summary, there is insufficient evidence to classify NM_000053.3(ATP7B):c.4378delG(D1460Mfs*25) as pathogenic or benign. Please note: this variant was assessed in the context of healthy population screening.

NM_000053.4(ATP7B):c.4378del (p.Asp1460fs)

Gene: ATP7B (ATPase copper transporting beta; minus strand). Cytogenetic location: 13q14.3.
Variant type: Deletion.
Coding change: c.4378del on transcript NM_000053.4 (MANE Select); coding-DNA position 4378, one base deleted (G; older notation c.4378delG).
Protein change: p.Asp1460fs; shifts the reading frame from aspartic acid 1460.
Molecular consequence: frameshift variant.
Genome position (GRCh38, 1-based): chr13:51,934,776, C deleted on the plus strand (G on the coding strand, the reverse complement: ATP7B is on the minus strand); the first of 3 consecutive C bases (chr13:51,934,776-51,934,778); deleting any one gives the same sequence. VCF-style (leftmost placement, unchanged base first): chr13-51934775-TC-T. GRCh37 (hg19) VCF-style: chr13-52508911-TC-T.
Other names: c.3757del, p.Asp1253fs (NM_001005918.3); c.4045del, p.Asp1349fs (NM_001243182.2); c.4144del, p.Asp1382fs (NM_001330578.2, NM_001406527.1, NM_001406528.1); c.4126del, p.Asp1376fs (NM_001330579.2, NM_001406531.1, NM_001406532.1); c.4378del, p.Asp1460fs (NM_001406511.1, NM_001406512.1); c.4372del, p.Asp1458fs (NM_001406513.1); c.4345del, p.Asp1449fs (NM_001406514.1); c.4324del, p.Asp1442fs (NM_001406515.1, NM_001406516.1); and 21 more; short protein forms D1179fs, D1253fs, D1298fs, D1349fs, D1382fs, D1442fs, D1244fs, D1296fs.
Identifiers: ClinVar variation 5004852 (VCV005004852.1).